The following is an entry in ClinVar:

NM_001018115.3(FANCD2):c.3710T>C (p.Val1237Ala)

Genes: FANCD2 (FA complementation group D2; plus strand), FANCD2OS (FANCD2 opposite strand; minus strand). Cytogenetic location: 3p25.3.
Variant type: single nucleotide variant.
Coding change: c.3710T>C on transcript NM_001018115.3 (MANE Select); coding-DNA position 3710, T replaced by C.
Protein change: p.Val1237Ala; replaces valine 1237 with alanine.
Molecular consequence: missense variant. On other transcripts: intron variant (1).
Genome position (GRCh38, 1-based): chr3:10,090,318, T>C. VCF-style: chr3-10090318-T-C. GRCh37 (hg19) VCF-style: chr3-10132002-T-C.
Other names: c.3710T>C, p.Val1237Ala (NM_001319984.2, NM_001374254.1, NM_033084.6); c.3599T>C, p.Val1200Ala (NM_001374253.1); c.*44-8787A>G (NM_173472.2); short protein forms V1237A, V1200A.
Identifiers: ClinVar variation 578150 (VCV000578150.8), dbSNP rs767806932, ClinGen allele CA2250491.

ClinVar aggregate classification (germline): Uncertain significance. Review status: criteria provided, single submitter (1 of 4 stars). 2 submissions from 2 submitters: Uncertain significance (1). 1 of the submissions does not count toward it. Last evaluated 2021-09-02.

Conditions:
Hepatoblastoma. Identifiers: Orphanet 449, MedGen C0206624, MONDO:0018666, HP:0002884.
Fanconi anemia (FA). Also called: Fanconi's anemia. Identifiers: Orphanet 84, MedGen C0015625, MeSH D005199, MONDO:0019391.

Allele frequency attached by ClinVar (database versions not stated): gnomAD exomes below 0.00001 and 0.00001; ExAC 0.00002.
gnomAD v4.1: 6 of 1,613,590 alleles (0.00037%); highest among the groups gnomAD compares: Non-Finnish European, 0.00051%; no homozygotes.

Submissions (2):

Labcorp Genetics (formerly Invitae), Labcorp
Classification: Uncertain significance for Fanconi anemia. Last evaluated: 2021-09-02. Review status: criteria provided, single submitter. Criteria: Invitae Variant Classification Sherloc (09022015). Collection method: clinical testing. Allele origin: germline.
Comment: This sequence change replaces valine with alanine at codon 1237 of the FANCD2 protein (p.Val1237Ala). The valine residue is moderately conserved and there is a small physicochemical difference between valine and alanine. This variant is present in population databases (rs767806932, ExAC 0.003%). This variant has not been reported in the literature in individuals affected with FANCD2-related conditions. Algorithms developed to predict the effect of missense changes on protein structure and function (SIFT, PolyPhen-2, Align-GVGD) all suggest that this variant is likely to be tolerated. In summary, the available evidence is currently insufficient to determine the role of this variant in disease. Therefore, it has been classified as a Variant of Uncertain Significance.

Molecular Oncology -  Human Genetics Lab, University of Sao Paulo
Classification: Uncertain significance for Hepatoblastoma. Review status: no assertion criteria provided. Collection method: research. Allele origin: germline. Affected: yes. Not counted in ClinVar's aggregate classification.